The following is an entry in ClinVar:

ClinVar aggregate classification (germline): Likely benign. Review status: criteria provided, multiple submitters, no conflicts (2 of 4 stars). 2 submissions from 2 submitters: Likely benign (2). Last evaluated 2026-09-17.

Conditions:
C1QTNF5-related disorder. Also called: C1QTNF5-related condition.

Allele frequency attached by ClinVar (database versions not stated): gnomAD 0.00001; gnomAD exomes 0.00001; TOPMed 0.00001; ExAC 0.00013; 1000 Genomes Project 0.00020; 1000 Genomes Project 30x 0.00031.
gnomAD v4.1: 11 of 1,515,154 alleles (0.00073%); highest among the groups gnomAD compares: Admixed American, 0.01%; no homozygotes.

Submissions (2):

PreventionGenetics, part of Exact Sciences
Classification: Likely benign for C1QTNF5-related condition. Last evaluated: 2026-09-17. Review status: criteria provided, single submitter. Criteria: ACMG Guidelines, 2015. Collection method: clinical testing. Allele origin: germline.
Comment: This variant is classified as likely benign based on ACMG/AMP sequence variant interpretation guidelines (Richards et al. 2015 PMID: 25741868, with internal and published modifications).

Labcorp Genetics (formerly Invitae), Labcorp
Classification: Likely benign. Last evaluated: 2024-10-29. Review status: criteria provided, single submitter. Criteria: Invitae Variant Classification Sherloc (09022015). Collection method: clinical testing. Allele origin: germline.

NM_001278431.2(C1QTNF5):c.276C>T (p.Thr92=)

Genes: C1QTNF5 (C1q and TNF related 5; minus strand), MFRP (membrane frizzled-related protein; minus strand). Cytogenetic location: 11q23.3.
Variant type: single nucleotide variant.
Coding change: c.276C>T on transcript NM_001278431.2 (MANE Select); coding-DNA position 276, C replaced by T.
Protein change: p.Thr92=; no amino-acid change (threonine 92 retained).
Molecular consequence: synonymous variant. On other transcripts: 3 prime UTR variant (1).
Genome position (GRCh38, 1-based): chr11:119,339,787, G>A on the plus strand (C>T on the coding strand, the complement: C1QTNF5 is on the minus strand). VCF-style: chr11-119339787-G-A. GRCh37 (hg19) VCF-style: chr11-119210497-G-A.
Other names: c.276C>T (NM_001278431.1); c.276C>T, p.Thr92= (NM_015645.5); c.*1172C>T (NM_031433.4).
Identifiers: ClinVar variation 1990968 (VCV001990968.5), dbSNP rs559296874, ClinGen allele CA6319965.